The following is an entry in ClinVar:

ClinVar aggregate classification (germline): Conflicting classifications of pathogenicity. Review status: criteria provided, conflicting classifications (1 of 4 stars). 2 submissions from 2 submitters: Uncertain significance (1); Likely benign (1). Last evaluated 2026-03-09.

Conditions:
GLB1-related disorder. Also called: GLB1-related disorders. Identifiers: MedGen CN377807.
Inborn genetic diseases. Identifiers: MedGen C0950123, MeSH D030342.

gnomAD v4.1: 5 of 1,613,976 alleles (0.00031%); highest among the groups gnomAD compares: African/African-American, 0.0027%; no homozygotes.

Submissions (2):

PreventionGenetics, part of Exact Sciences
Classification: Uncertain significance for GLB1-related condition. Last evaluated: 2026-03-09. Review status: criteria provided, single submitter. Criteria: ACMG Guidelines, 2015. Collection method: clinical testing. Allele origin: germline.
Comment: The GLB1 c.1657A>G variant is predicted to result in the amino acid substitution p.Met553Val. To our knowledge, this variant has not been reported in the literature or in a large population database (gnomAD), indicating this variant is rare. At this time, the clinical significance of this variant is uncertain due to the absence of conclusive functional and genetic evidence.

Ambry Genetics
Classification: Likely benign for Inborn genetic diseases. Last evaluated: 2025-11-26. Review status: criteria provided, single submitter. Criteria: Ambry Variant Classification Scheme 2023. Collection method: clinical testing. Allele origin: germline.

NM_000404.4(GLB1):c.1657A>G (p.Met553Val)

Gene: GLB1 (galactosidase beta 1; minus strand). Cytogenetic location: 3p22.3.
Variant type: single nucleotide variant.
Coding change: c.1657A>G on transcript NM_000404.4 (MANE Select); coding-DNA position 1657, A replaced by G.
Protein change: p.Met553Val; replaces methionine 553 with valine.
Molecular consequence: missense variant.
Genome position (GRCh38, 1-based): chr3:33,014,133, T>C on the plus strand (A>G on the coding strand, the complement: GLB1 is on the minus strand). VCF-style: chr3-33014133-T-C. GRCh37 (hg19) VCF-style: chr3-33055625-T-C.
Other names: c.1657A>G (NM_000404.3); c.1567A>G, p.Met523Val (NM_001079811.3); c.1264A>G, p.Met422Val (NM_001135602.3); c.1801A>G, p.Met601Val (NM_001317040.2); c.1657A>G, p.Met553Val (NM_001393580.1); short protein forms M553V, M523V, M601V, M422V.
Identifiers: ClinVar variation 4620832 (VCV004620832.2).